The following is an entry in ClinVar:

ClinVar aggregate classification (germline): Pathogenic (1 of 4 stars; one submission).

Conditions:
Bardet-Biedl syndrome (BBS). Identifiers: Orphanet 110, MedGen C0752166, MONDO:0015229.

Submission:

Labcorp Genetics (formerly Invitae), Labcorp
Classification: Pathogenic for Bardet-Biedl syndrome. Last evaluated: 2021-02-18. Review status: criteria provided, single submitter. Criteria: Invitae Variant Classification Sherloc (09022015). Collection method: clinical testing. Allele origin: germline.
Comment: For these reasons, this variant has been classified as Pathogenic. This variant disrupts the C-terminus of the BBS10 protein. Other variant(s) that disrupt this region (p.Val707*) have been determined to be pathogenic (PMID: 20472660, 22773737, 25982971, 27486776). This suggests that variants that disrupt this region of the protein are likely to be causative of disease. This sequence change creates a premature translational stop signal (p.Thr164Asnfs*4) in the BBS10 gene. While this is not anticipated to result in nonsense mediated decay, it is expected to disrupt the last 560 amino acid(s) of the BBS10 protein. This variant is not present in population databases (ExAC no frequency). This variant has not been reported in the literature in individuals with BBS10-related conditions.

Literature cited by the submitters: PubMed 20472660; PubMed 22773737; PubMed 25982971; PubMed 27486776.

NM_024685.4(BBS10):c.490dup (p.Thr164fs)

Gene: BBS10 (Bardet-Biedl syndrome 10; minus strand). Cytogenetic location: 12q21.2.
Variant type: Duplication.
Coding change: c.490dup on transcript NM_024685.4 (MANE Select); coding-DNA position 490, one base duplicated (A; older notation c.490dupA).
Protein change: p.Thr164fs; shifts the reading frame from threonine 164.
Molecular consequence: frameshift variant.
Genome position (GRCh38, 1-based): chr12:76,347,495, T duplicated on the plus strand (A on the coding strand, the reverse complement: BBS10 is on the minus strand); the first of 2 consecutive T bases (chr12:76,347,495-76,347,496); duplicating either gives the same sequence. VCF-style (leftmost placement, unchanged base first): chr12-76347494-G-GT. GRCh37 (hg19) VCF-style: chr12-76741274-G-GT.
Other names: short protein forms T164fs.
Identifiers: ClinVar variation 1377847 (VCV001377847.8), dbSNP rs2136091086, ClinGen allele CA2573148995.
Genomic context (GRCh38, chr12:76,347,494, plus strand): 5'-CTTCCCACTCTTCCACAAAAGTATGCTTCTAAGAGCAACTCTAAAGAGCTCCTACACAAT[G>GT]TTCTCTCTTTAGCAGACGAAAAGATAGACAAAAAGTGTCTACTTAGGTACTGGTCCATAA-3'